The following is an entry in ClinVar:

NM_001458.5(FLNC):c.4153C>T (p.Leu1385=)

Gene: FLNC (filamin C; plus strand). Cytogenetic location: 7q32.1.
Variant type: single nucleotide variant.
Coding change: c.4153C>T on transcript NM_001458.5 (MANE Select); coding-DNA position 4153, C replaced by T.
Protein change: p.Leu1385=; no amino-acid change (leucine 1385 retained).
Molecular consequence: synonymous variant.
Genome position (GRCh38, 1-based): chr7:128,846,770, C>T. VCF-style: chr7-128846770-C-T. GRCh37 (hg19) VCF-style: chr7-128486824-C-T.
Other names: c.4153C>T, p.Leu1385= (NM_001127487.2).
Identifiers: ClinVar variation 386571 (VCV000386571.48), dbSNP rs202125701, ClinGen allele CA4475264.
Genomic context (GRCh38, chr7:128,846,770, plus strand): 5'-TCTTATGAAGCTGATGGGGGGATGTTATCTCTCAGGGGAGCGGGCACCGGGGGCCTTGGC[C>T]TAGCCATCGAGGGTCCCTCGGAAGCCAAGATGTCCTGCAAGGACAACAAGGATGGTAGCT-3'
Protein context (NP_001449.3, residues 1375-1395): TRGAGTGGLG[Leu1385=]AIEGPSEAKM

ClinVar aggregate classification (germline): Benign/Likely benign. Review status: criteria provided, multiple submitters, no conflicts (2 of 4 stars). 10 submissions from 10 submitters: Benign (1); Likely benign (6). 3 of the submissions do not count toward it. Last evaluated 2026-02-03.

Conditions:
Cardiovascular phenotype. Identifiers: MedGen CN230736.
Hypertrophic cardiomyopathy 26. Also called: Cardiomyopathy, familial hypertrophic, 26. Identifiers: Orphanet 75249, MedGen C4310749, MONDO:0014883, OMIM 617047.
Distal myopathy with posterior leg and anterior hand involvement. Also called: WILLIAMS DISTAL MYOPATHY. Identifiers: Orphanet 63273, MedGen C3279722, MONDO:0013550, OMIM 614065.
Myofibrillar myopathy 5. Also called: FILAMINOPATHY, AUTOSOMAL DOMINANT; Filaminopathy (type). Identifiers: Orphanet 171445, MedGen C1836050, MONDO:0012289, OMIM 609524.

Allele frequency attached by ClinVar (database versions not stated): gnomAD 0.00015 and 0.00016; TOPMed 0.00015; gnomAD exomes 0.00017 and 0.00025; ExAC 0.00024.
gnomAD v4.1: 263 of 1,614,004 alleles (0.016%); highest among the groups gnomAD compares: Non-Finnish European, 0.021%; no homozygotes.

Submissions (10):

Labcorp Genetics (formerly Invitae), Labcorp
Classification: Likely benign for Distal myopathy with posterior leg and anterior hand involvement; Myofibrillar myopathy 5; Hypertrophic cardiomyopathy 26. Last evaluated: 2026-02-03. Review status: criteria provided, single submitter. Criteria: Invitae Variant Classification Sherloc (09022015). Collection method: clinical testing. Allele origin: germline.

CeGaT Center for Human Genetics Tuebingen
Classification: Likely benign. Last evaluated: 2026-02-01. Review status: criteria provided, single submitter. Criteria: CeGaT Center For Human Genetics Tuebingen Variant Classification Criteria Version 2. Collection method: clinical testing. Allele origin: germline. Affected: yes. Observed: 3 variant alleles.
Comment: FLNC: BP4

ARUP Laboratories, Molecular Genetics and Genomics, ARUP Laboratories
Classification: Likely benign. Last evaluated: 2024-11-21. Review status: criteria provided, single submitter. Criteria: ARUP Molecular Germline Variant Investigation Process 2024. Collection method: clinical testing. Allele origin: germline.

Blueprint Genetics
Classification: Likely benign. Last evaluated: 2024-11-06. Review status: criteria provided, single submitter. Criteria: ACMG Guidelines, 2015. Collection method: clinical testing. Allele origin: germline.

Women's Health and Genetics/Laboratory Corporation of America, LabCorp
Classification: Benign. Last evaluated: 2024-09-28. Review status: criteria provided, single submitter. Criteria: LabCorp Variant Classification Summary - May 2015. Collection method: clinical testing. Allele origin: germline.

Ambry Genetics
Classification: Likely benign for Cardiovascular phenotype. Last evaluated: 2019-01-09. Review status: criteria provided, single submitter. Criteria: Ambry Variant Classification Scheme 2023. Collection method: clinical testing. Allele origin: germline.

GeneDx
Classification: Likely benign. Last evaluated: 2016-06-14. Review status: criteria provided, single submitter. Criteria: GeneDx Variant Classification (06012015). Collection method: clinical testing. Allele origin: germline. Affected: yes.
Comment: This variant is considered likely benign or benign based on one or more of the following criteria: it is a conservative change, it occurs at a poorly conserved position in the protein, it is predicted to be benign by multiple in silico algorithms, and/or has population frequency not consistent with disease.

Clinical Genetics, Academic Medical Center
Classification: Benign. Review status: no assertion criteria provided. Collection method: clinical testing. Allele origin: germline. Affected: yes. Study: VKGL Data-share Consensus. Not counted in ClinVar's aggregate classification.

Genome Diagnostics Laboratory, University Medical Center Utrecht
Classification: Likely benign. Review status: no assertion criteria provided. Collection method: clinical testing. Allele origin: germline. Affected: yes. Study: VKGL Data-share Consensus. Not counted in ClinVar's aggregate classification.

Joint Genome Diagnostic Labs from Nijmegen and Maastricht, Radboudumc and MUMC+
Classification: Likely benign. Review status: no assertion criteria provided. Collection method: clinical testing. Allele origin: germline. Affected: yes. Study: VKGL Data-share Consensus. Not counted in ClinVar's aggregate classification.